The following is an entry in ClinVar:

NM_003737.4(DCHS1):c.844G>C (p.Ala282Pro)

Gene: DCHS1 (dachsous cadherin-related 1; minus strand). Cytogenetic location: 11p15.4.
Variant type: single nucleotide variant.
Coding change: c.844G>C on transcript NM_003737.4 (MANE Select); coding-DNA position 844, G replaced by C.
Protein change: p.Ala282Pro; replaces alanine 282 with proline.
Molecular consequence: missense variant.
Genome position (GRCh38, 1-based): chr11:6,640,770, C>G on the plus strand (G>C on the coding strand, the complement: DCHS1 is on the minus strand). VCF-style: chr11-6640770-C-G. GRCh37 (hg19) VCF-style: chr11-6662001-C-G.
Other names: short protein forms A282P.
Identifiers: ClinVar variation 2830631 (VCV002830631.3), dbSNP rs2493842294, ClinGen allele CA379439513.

ClinVar aggregate classification (germline): Uncertain significance (1 of 4 stars; one submission).

Allele frequency attached by ClinVar (database versions not stated): gnomAD exomes below 0.00001.
gnomAD v4.1: 1 of 1,614,042 alleles (0.000062%); highest among the groups gnomAD compares: Non-Finnish European, 0.000085%; no homozygotes.

Submission:

Labcorp Genetics (formerly Invitae), Labcorp
Classification: Uncertain significance. Last evaluated: 2025-06-02. Review status: criteria provided, single submitter. Criteria: Invitae Variant Classification Sherloc (09022015). Collection method: clinical testing. Allele origin: germline.
Comment: This sequence change replaces alanine, which is neutral and non-polar, with proline, which is neutral and non-polar, at codon 282 of the DCHS1 protein (p.Ala282Pro). This variant is not present in population databases (gnomAD no frequency). This variant has not been reported in the literature in individuals affected with DCHS1-related conditions. ClinVar contains an entry for this variant (Variation ID: 2830631). Invitae Evidence Modeling of protein sequence and biophysical properties (such as structural, functional, and spatial information, amino acid conservation, physicochemical variation, residue mobility, and thermodynamic stability) indicates that this missense variant is not expected to disrupt DCHS1 protein function with a negative predictive value of 95%. In summary, the available evidence is currently insufficient to determine the role of this variant in disease. Therefore, it has been classified as a Variant of Uncertain Significance.